The following is an entry in ClinVar:

NM_001199397.3(NEK1):c.183A>G (p.Pro61=)

Gene: NEK1 (NIMA related kinase 1; minus strand). Cytogenetic location: 4q33.
Variant type: single nucleotide variant.
Coding change: c.183A>G on transcript NM_001199397.3 (MANE Select); coding-DNA position 183, A replaced by G.
Protein change: p.Pro61=; no amino-acid change (proline 61 retained).
Molecular consequence: synonymous variant. On other transcripts: non-coding transcript variant (2).
Genome position (GRCh38, 1-based): chr4:169,602,039, T>C on the plus strand (A>G on the coding strand, the complement: NEK1 is on the minus strand). VCF-style: chr4-169602039-T-C. GRCh37 (hg19) VCF-style: chr4-170523190-T-C.
Other names: c.183A>G, p.Pro61= (NM_001199398.3, NM_001199399.3, NM_001199400.3 and 7 more transcripts).
Identifiers: ClinVar variation 3007375 (VCV003007375.5), dbSNP rs2546982311, ClinGen allele CA442297559.
Genomic context (GRCh38, chr4:169,602,039, plus strand): 5'-TTTTAACTCTCTCGCATAATTTATCTGACCTTCAAATGATTCTCTATACTGGACAATATT[T>C]GGATGCTTCATGTTTGCCAATACTGCAACTTCTCTCCTTGATTCTTCTCTTTCTTTACTG-3'
Protein context (NP_001186326.1, residues 51-71): EVAVLANMKH[Pro61=]NIVQYRESFE

ClinVar aggregate classification (germline): Likely benign. Review status: criteria provided, multiple submitters, no conflicts (2 of 4 stars). 2 submissions from 2 submitters: Likely benign (2). Last evaluated 2026-06-01.

Conditions:
Short-rib thoracic dysplasia 6 with or without polydactyly (SRTD6). Also called: SHORT RIB-POLYDACTYLY SYNDROME, TYPE IIA; POLYDACTYLY WITH NEONATAL CHONDRODYSTROPHY, TYPE II; SHORT-RIB THORACIC DYSPLASIA 6 WITH POLYDACTYLY; SHORT-RIB THORACIC DYSPLASIA 6 WITHOUT POLYDACTYLY; Majewski Syndrome. Identifiers: MedGen C0024507, MONDO:0009894, OMIM 263520.

Submissions (2):

CeGaT Center for Human Genetics Tuebingen
Classification: Likely benign. Last evaluated: 2026-06-01. Review status: criteria provided, single submitter. Criteria: CeGaT Center For Human Genetics Tuebingen Variant Classification Criteria Version 2. Collection method: clinical testing. Allele origin: germline. Affected: yes. Observed: 1 variant allele.
Comment: NEK1: PM2:Supporting, BP4, BP7

Labcorp Genetics (formerly Invitae), Labcorp
Classification: Likely benign for Short-rib thoracic dysplasia 6 with or without polydactyly. Last evaluated: 2023-08-08. Review status: criteria provided, single submitter. Criteria: Invitae Variant Classification Sherloc (09022015). Collection method: clinical testing. Allele origin: germline.